The following is an entry in ClinVar:

NM_004586.3(RPS6KA3):c.1019T>G (p.Ile340Ser)

Gene: RPS6KA3 (ribosomal protein S6 kinase A3; minus strand). Cytogenetic location: Xp22.12.
Variant type: single nucleotide variant.
Coding change: c.1019T>G on transcript NM_004586.3 (MANE Select); coding-DNA position 1019, T replaced by G.
Protein change: p.Ile340Ser; replaces isoleucine 340 with serine.
Molecular consequence: missense variant.
Genome position (GRCh38, 1-based): chrX:20,176,333, A>C on the plus strand (T>G on the coding strand, the complement: RPS6KA3 is on the minus strand). VCF-style: chrX-20176333-A-C. GRCh37 (hg19) VCF-style: chrX-20194451-A-C.
Other names: c.935T>G, p.Ile312Ser (NM_001438340.1); short protein forms I340S, I312S.
Identifiers: ClinVar variation 4526060 (VCV004526060.1).

ClinVar aggregate classification (germline): Uncertain significance (1 of 4 stars; one submission).

Submission:

Women's Health and Genetics/Laboratory Corporation of America, LabCorp
Classification: Uncertain significance. Last evaluated: 2025-07-29. Review status: criteria provided, single submitter. Criteria: LabCorp Variant Classification Summary - May 2015. Collection method: clinical testing. Allele origin: germline.
Comment: Variant summary: RPS6KA3 c.1019T>G (p.Ile340Ser) results in a non-conservative amino acid change located in the AGC-kinase, C-terminal domain (IPR000961) of the encoded protein sequence. Algorithms developed to predict the effect of missense changes on protein structure and function are either unavailable or do not agree on the potential impact of this missense change. The variant was absent in 183104 control chromosomes. The available data on variant occurrences in the general population are insufficient to allow any conclusion about variant significance. To our knowledge, no occurrence of c.1019T>G in individuals affected with Coffin-Lowry Syndrome and no experimental evidence demonstrating its impact on protein function have been reported. No submitters have cited clinical-significance assessments for this variant to ClinVar. Based on the evidence outlined above, the variant was classified as uncertain significance.